The following is an entry in ClinVar:

ClinVar aggregate classification (germline): Uncertain significance. Review status: criteria provided, multiple submitters, no conflicts (2 of 4 stars). 2 submissions from 2 submitters: Uncertain significance (2). Last evaluated 2025-12-04.

gnomAD v4.1: 12 of 1,613,938 alleles (0.00074%); highest among the groups gnomAD compares: Middle Eastern, 0.099%; no homozygotes.

Submissions (2):

Ambry Genetics
Classification: Uncertain significance. Last evaluated: 2025-12-04. Review status: criteria provided, single submitter. Criteria: Ambry Variant Classification Scheme 2023. Collection method: clinical testing. Allele origin: germline.

GeneDx
Classification: Uncertain significance. Last evaluated: 2024-05-08. Review status: criteria provided, single submitter. Criteria: GeneDx Variant Classification Process June 2021. Collection method: clinical testing. Allele origin: germline. Affected: yes.
Comment: Not observed at significant frequency in large population cohorts (gnomAD); In silico analysis supports that this missense variant has a deleterious effect on protein structure/function; Has not been previously published as pathogenic or benign to our knowledge

NM_006297.3(XRCC1):c.1736A>G (p.Asp579Gly)

Gene: XRCC1 (X-ray repair cross complementing 1; minus strand). Cytogenetic location: 19q13.31.
Variant type: single nucleotide variant.
Coding change: c.1736A>G on transcript NM_006297.3 (MANE Select); coding-DNA position 1736, A replaced by G.
Protein change: p.Asp579Gly; replaces aspartic acid 579 with glycine.
Molecular consequence: missense variant.
Genome position (GRCh38, 1-based): chr19:43,543,664, T>C on the plus strand (A>G on the coding strand, the complement: XRCC1 is on the minus strand). VCF-style: chr19-43543664-T-C. GRCh37 (hg19) VCF-style: chr19-44047816-T-C.
Other names: short protein forms D579G.
Identifiers: ClinVar variation 3376008 (VCV003376008.2).